The following is an entry in ClinVar:

NM_005591.4(MRE11):c.1865A>C (p.Asp622Ala)

Gene: MRE11 (MRE11 double strand break repair nuclease; minus strand). Cytogenetic location: 11q21.
Variant type: single nucleotide variant.
Coding change: c.1865A>C on transcript NM_005591.4 (MANE Select); coding-DNA position 1865, A replaced by C.
Protein change: p.Asp622Ala; replaces aspartic acid 622 with alanine.
Molecular consequence: missense variant. On other transcripts: intron variant (1).
Genome position (GRCh38, 1-based): chr11:94,445,812, T>G on the plus strand (A>C on the coding strand, the complement: MRE11 is on the minus strand). VCF-style: chr11-94445812-T-G. GRCh37 (hg19) VCF-style: chr11-94178978-T-G.
Other names: c.1862A>C, p.Asp621Ala (NM_001330347.2); c.1783+1407A>C (NM_005590.4); short protein forms D622A, D621A.
Identifiers: ClinVar variation 3397866 (VCV003397866.1).
Genomic context (GRCh38, chr11:94,445,812, plus strand): 5'-TTACCTTGGTCTTTCTAATGTTGGAATTTATAAATAATCACTTGCAGTCTATACTCACCA[T>G]CTATAATAGACATATTTCTAGATGCTGACACAGCAGTCTTTGAGTTCCTGCTACGGGTAG-3'
Protein context (NP_005582.1, residues 612-632): VSASRNMSII[Asp622Ala]AFKSTRQQPS

ClinVar aggregate classification (germline): Uncertain significance (1 of 4 stars; one submission).

Conditions:
Hereditary cancer-predisposing syndrome. Also called: Hereditary Cancer Syndrome; Tumor predisposition; Hereditary neoplastic syndrome; Neoplastic Syndromes, Hereditary. Identifiers: Orphanet 140162, MedGen C0027672, MeSH D009386, MONDO:0015356.

gnomAD v4.1: 22 of 1,605,158 alleles (0.0014%); highest among the groups gnomAD compares: Non-Finnish European, 0.0019%; no homozygotes.

Submission:

Ambry Genetics
Classification: Uncertain significance for Hereditary cancer-predisposing syndrome. Last evaluated: 2024-09-26. Review status: criteria provided, single submitter. Criteria: Ambry Variant Classification Scheme 2023. Collection method: clinical testing. Allele origin: germline.
Comment: The p.D622A variant (also known as c.1865A>C), located in coding exon 15 of the MRE11A gene, results from an A to C substitution at nucleotide position 1865. The aspartic acid at codon 622 is replaced by alanine, an amino acid with dissimilar properties. This amino acid position is conserved. In addition, the in silico prediction for this alteration is inconclusive. Based on the available evidence, the clinical significance of this variant remains unclear.